The following is an entry in ClinVar:

ClinVar aggregate classification (germline): Uncertain significance (1 of 4 stars; one submission).

Allele frequency attached by ClinVar (database versions not stated): gnomAD exomes below 0.00001.

Submission:

Labcorp Genetics (formerly Invitae), Labcorp
Classification: Uncertain significance. Last evaluated: 2021-12-03. Review status: criteria provided, single submitter. Criteria: Invitae Variant Classification Sherloc (09022015). Collection method: clinical testing. Allele origin: germline.
Comment: This sequence change replaces valine, which is neutral and non-polar, with methionine, which is neutral and non-polar, at codon 540 of the DEF6 protein (p.Val540Met). This variant is present in population databases (rs746776300, gnomAD 0.0009%). This variant has not been reported in the literature in individuals affected with DEF6-related conditions. Algorithms developed to predict the effect of missense changes on protein structure and function are either unavailable or do not agree on the potential impact of this missense change (SIFT: "Deleterious"; PolyPhen-2: "Possibly Damaging"; Align-GVGD: "Class C0"). In summary, the available evidence is currently insufficient to determine the role of this variant in disease. Therefore, it has been classified as a Variant of Uncertain Significance.

NM_022047.4(DEF6):c.1618G>A (p.Val540Met)

Gene: DEF6 (DEF6 guanine nucleotide exchange factor; plus strand). Cytogenetic location: 6p21.31.
Variant type: single nucleotide variant.
Coding change: c.1618G>A on transcript NM_022047.4 (MANE Select); coding-DNA position 1618, G replaced by A.
Protein change: p.Val540Met; replaces valine 540 with methionine.
Molecular consequence: missense variant.
Genome position (GRCh38, 1-based): chr6:35,320,920, G>A. VCF-style: chr6-35320920-G-A. GRCh37 (hg19) VCF-style: chr6-35288697-G-A.
Other names: short protein forms V540M.
Identifiers: ClinVar variation 1361389 (VCV001361389.3), dbSNP rs746776300, ClinGen allele CA3770964.